The following is an entry in ClinVar:

ClinVar aggregate classification (germline): Benign. Review status: criteria provided, multiple submitters, no conflicts (2 of 4 stars). 6 submissions from 6 submitters: Benign (6). Last evaluated 2026-02-01.

Allele frequency attached by ClinVar (database versions not stated): ESP Exome Variant Server 0.11648; TOPMed 0.12089; 1000 Genomes Project 30x 0.12586; 1000 Genomes Project 0.13019; gnomAD exomes 0.15000 and 0.15289; ExAC 0.15507.
gnomAD v4.1: 243,108 of 1,613,866 alleles (15%); highest among the groups gnomAD compares: South Asian, 19%; 19,199 homozygotes.

Submissions (7):

Labcorp Genetics (formerly Invitae), Labcorp
Classification: Benign. Last evaluated: 2026-02-01. Review status: criteria provided, single submitter. Criteria: Invitae Variant Classification Sherloc (09022015). Collection method: clinical testing. Allele origin: germline.

Blueprint Genetics
Classification: Benign. Last evaluated: 2024-11-26. Review status: criteria provided, single submitter. Criteria: ACMG Guidelines, 2015. Collection method: clinical testing. Allele origin: germline.

Unidad de Genómica Garrahan, Hospital de Pediatría Garrahan
Classification: Benign. Last evaluated: 2024-07-31. Review status: criteria provided, single submitter. Criteria: ACMG Guidelines, 2015. Collection method: clinical testing. Allele origin: germline. Affected: no. Observed: 24 variant alleles.
Comment: This variant is classified as Benign based on local population frequency. This variant was detected in 26% of patients studied in a panel designed for Epileptic and Developmental Encephalopathy, Progressive Myoclonus Epilepsy and Abnormal Movements and Neurodegeneration with brain iron accumulation. Number of patients: 24. Only high quality variants are reported.

Mayo Clinic Laboratories, Mayo Clinic
Classification: Benign. Last evaluated: 2022-10-27. Review status: criteria provided, single submitter. Criteria: ACMG Guidelines, 2015. Collection method: clinical testing. Allele origin: germline. Observed: 55 variant alleles.

GeneDx
Classification: Benign. Last evaluated: 2016-01-18. Review status: criteria provided, single submitter. Criteria: GeneDx Variant Classification (06012015). Collection method: clinical testing. Allele origin: germline. Affected: yes.
Comment: This variant is considered likely benign or benign based on one or more of the following criteria: it is a conservative change, it occurs at a poorly conserved position in the protein, it is predicted to be benign by multiple in silico algorithms, and/or has population frequency not consistent with disease.

Breakthrough Genomics
Classification: Benign. Review status: criteria provided, single submitter. Criteria: ACMG Guidelines, 2015. Collection method: not provided. Allele origin: germline. Inheritance: Autosomal recessive inheritance. Affected: yes.

Dr. Peter K. Rogan Lab, Western University
No classification provided (evidence only). Condition: Familial cancer of breast. Review status: no classification provided. Collection method: in vitro. Allele origin: not applicable. Functional consequence: retained intron. Not counted in ClinVar's aggregate classification.

NM_152268.4(PARS2):c.84G>T (p.Arg28Ser)

Gene: PARS2 (prolyl-tRNA synthetase 2, mitochondrial; minus strand). Cytogenetic location: 1p32.3.
Variant type: single nucleotide variant.
Coding change: c.84G>T on transcript NM_152268.4 (MANE Select); coding-DNA position 84, G replaced by T.
Protein change: p.Arg28Ser; replaces arginine 28 with serine.
Molecular consequence: missense variant.
Genome position (GRCh38, 1-based): chr1:54,759,078, C>A on the plus strand (G>T on the coding strand, the complement: PARS2 is on the minus strand). VCF-style: chr1-54759078-C-A. GRCh37 (hg19) VCF-style: chr1-55224751-C-A.
Other names: p.Arg28Ser; short protein forms R28S.
Identifiers: ClinVar variation 380002 (VCV000380002.16), dbSNP rs11577368, ClinGen allele CA869554.
Genomic context (GRCh38, chr1:54,759,078, plus strand): 5'-TGGCTGGAACACACGAGACAGCAGCAGGCGCCGCCCTCTTCTTGGGGCACAGTGGTGAAA[C>A]CTGCAAGGAACATACCCAGAGAGCTGGCGGCTGCAGGTGGCCAGGGCGGGCAATGCTCTG-3'
Protein context (NP_689481.2, residues 18-38): SRQLSGYVPC[Arg28Ser]FHHCAPRRGR